The following is an entry in ClinVar:

ClinVar aggregate classification (germline): Uncertain significance (1 of 4 stars; one submission).

Submission:

Labcorp Genetics (formerly Invitae), Labcorp
Classification: Uncertain significance. Last evaluated: 2022-04-06. Review status: criteria provided, single submitter. Criteria: Invitae Variant Classification Sherloc (09022015). Collection method: clinical testing. Allele origin: germline.
Comment: This sequence change replaces aspartic acid, which is acidic and polar, with glutamic acid, which is acidic and polar, at codon 187 of the NACC1 protein (p.Asp187Glu). This variant is not present in population databases (gnomAD no frequency). This variant has not been reported in the literature in individuals affected with NACC1-related conditions. Algorithms developed to predict the effect of missense changes on protein structure and function (SIFT, PolyPhen-2, Align-GVGD) all suggest that this variant is likely to be tolerated. In summary, the available evidence is currently insufficient to determine the role of this variant in disease. Therefore, it has been classified as a Variant of Uncertain Significance.

NM_052876.4(NACC1):c.561C>A (p.Asp187Glu)

Gene: NACC1 (nucleus accumbens associated 1; plus strand). Cytogenetic location: 19p13.13.
Variant type: single nucleotide variant.
Coding change: c.561C>A on transcript NM_052876.4 (MANE Select); coding-DNA position 561, C replaced by A.
Protein change: p.Asp187Glu; replaces aspartic acid 187 with glutamic acid.
Molecular consequence: missense variant.
Genome position (GRCh38, 1-based): chr19:13,135,768, C>A. VCF-style: chr19-13135768-C-A. GRCh37 (hg19) VCF-style: chr19-13246582-C-A.
Other names: short protein forms D187E.
Identifiers: ClinVar variation 2122185 (VCV002122185.4), dbSNP rs370306338, ClinGen allele CA404325633.